The following is an entry in ClinVar:

ClinVar aggregate classification (germline): Likely benign (0 of 4 stars; one submission).

Conditions:
DPP6-related disorder. Also called: DPP6-related condition.

Allele frequency attached by ClinVar (database versions not stated): gnomAD exomes 0.00016; gnomAD 0.00025; TOPMed 0.00029; 1000 Genomes Project 0.00040; 1000 Genomes Project 30x 0.00047.
gnomAD v4.1: 289 of 1,579,256 alleles (0.018%); highest among the groups gnomAD compares: Middle Eastern, 0.15%; 1 homozygote.

Submission:

PreventionGenetics, part of Exact Sciences
Classification: Likely benign for DPP6-related condition. Last evaluated: 2020-02-26. Review status: no assertion criteria provided. Collection method: clinical testing. Allele origin: germline.
Comment: This variant is classified as likely benign based on ACMG/AMP sequence variant interpretation guidelines (Richards et al. 2015 PMID: 25741868, with internal and published modifications).

NM_130797.4(DPP6):c.1299+51C>T

Gene: DPP6 (dipeptidyl peptidase like 6; plus strand). Cytogenetic location: 7q36.2.
Variant type: single nucleotide variant.
Coding change: c.1299+51C>T on transcript NM_130797.4 (MANE Select); 51 bases into the intron after coding-DNA position 1299, C replaced by T.
Molecular consequence: intron variant. On other transcripts: synonymous variant (1).
Genome position (GRCh38, 1-based): chr7:154,795,934, C>T. VCF-style: chr7-154795934-C-T. GRCh37 (hg19) VCF-style: chr7-154587644-C-T.
Other names: c.1158C>T, p.Pro386= (NM_001364501.2); c.1116+51C>T (NM_001364500.2, NM_001364499.2, NM_001364497.2 and 1 more transcripts); c.1107+51C>T (NM_001039350.3); c.1113+51C>T (NM_001936.5); c.978+51C>T (NM_001290252.2).
Identifiers: ClinVar variation 3041847 (VCV003041847.2), dbSNP rs569894685, ClinGen allele CA169254149.